The following is an entry in ClinVar:

ClinVar aggregate classification (germline): Uncertain significance. Review status: criteria provided, multiple submitters, no conflicts (2 of 4 stars). 2 submissions from 2 submitters: Uncertain significance (2). Last evaluated 2024-05-14.

Conditions:
Inborn genetic diseases. Identifiers: MedGen C0950123, MeSH D030342.
Dystonic disorder. Also called: Dystonia. Identifiers: MedGen C0013421, MONDO:0003441, HP:0001332.

Allele frequency attached by ClinVar (database versions not stated): TOPMed below 0.00001.

Submissions (2):

Labcorp Genetics (formerly Invitae), Labcorp
Classification: Uncertain significance for Dystonic disorder. Last evaluated: 2024-05-14. Review status: criteria provided, single submitter. Criteria: Invitae Variant Classification Sherloc (09022015). Collection method: clinical testing. Allele origin: germline.
Comment: This sequence change replaces arginine, which is basic and polar, with lysine, which is basic and polar, at codon 323 of the GNAL protein (p.Arg323Lys). This variant is not present in population databases (gnomAD no frequency). This variant has not been reported in the literature in individuals affected with GNAL-related conditions. ClinVar contains an entry for this variant (Variation ID: 2622393). Advanced modeling of protein sequence and biophysical properties (such as structural, functional, and spatial information, amino acid conservation, physicochemical variation, residue mobility, and thermodynamic stability) performed at Invitae indicates that this missense variant is not expected to disrupt GNAL protein function with a negative predictive value of 80%. In summary, the available evidence is currently insufficient to determine the role of this variant in disease. Therefore, it has been classified as a Variant of Uncertain Significance.

Ambry Genetics
Classification: Uncertain significance for Inborn genetic diseases. Last evaluated: 2023-09-12. Review status: criteria provided, single submitter. Criteria: Ambry Variant Classification Scheme 2023. Collection method: clinical testing. Allele origin: germline.

NM_182978.4(GNAL):c.1199G>A (p.Arg400Lys)

Gene: GNAL (G protein subunit alpha L; plus strand). Cytogenetic location: 18p11.21.
Variant type: single nucleotide variant.
Coding change: c.1199G>A on transcript NM_182978.4 (MANE Select); coding-DNA position 1199, G replaced by A.
Protein change: p.Arg400Lys; replaces arginine 400 with lysine.
Molecular consequence: missense variant.
Genome position (GRCh38, 1-based): chr18:11,876,657, G>A. VCF-style: chr18-11876657-G-A. GRCh37 (hg19) VCF-style: chr18-11876656-G-A.
Other names: c.968G>A, p.Arg323Lys (NM_001369387.1, NM_001142339.3, NM_001261443.2); c.347G>A, p.Arg116Lys (NM_001261444.2); short protein forms R116K, R323K, R400K.
Identifiers: ClinVar variation 2622393 (VCV002622393.4), dbSNP rs2036538944, ClinGen allele CA401934310.